The following is an entry in ClinVar:

ClinVar aggregate classification (germline): Likely pathogenic (1 of 4 stars; one submission).

Submission:

Labcorp Genetics (formerly Invitae), Labcorp
Classification: Likely pathogenic. Last evaluated: 2022-08-19. Review status: criteria provided, single submitter. Criteria: Invitae Variant Classification Sherloc (09022015). Collection method: clinical testing. Allele origin: germline.
Comment: This sequence change affects a donor splice site in intron 42 of the COL2A1 gene. It is expected to disrupt RNA splicing. Variants that disrupt the donor or acceptor splice site typically lead to a loss of protein function (PMID: 16199547), and loss-of-function variants in COL2A1 are known to be pathogenic (PMID: 20179744). This variant is not present in population databases (gnomAD no frequency). This variant has not been reported in the literature in individuals affected with COL2A1-related conditions. Algorithms developed to predict the effect of sequence changes on RNA splicing suggest that this variant may disrupt the consensus splice site. In summary, the currently available evidence indicates that the variant is pathogenic, but additional data are needed to prove that conclusively. Therefore, this variant has been classified as Likely Pathogenic.

Literature cited by the submitters: PubMed 16199547; PubMed 20179744.

NM_001844.5(COL2A1):c.2895+1G>A

Gene: COL2A1 (collagen type II alpha 1 chain; minus strand). Cytogenetic location: 12q13.11.
Variant type: single nucleotide variant.
Coding change: c.2895+1G>A on transcript NM_001844.5 (MANE Select); the canonical splice donor site of the intron after coding-DNA position 2895, G replaced by A.
Molecular consequence: splice donor variant.
Genome position (GRCh38, 1-based): chr12:47,978,596, C>T on the plus strand (G>A on the coding strand, the complement: COL2A1 is on the minus strand). VCF-style: chr12-47978596-C-T. GRCh37 (hg19) VCF-style: chr12-48372379-C-T.
Other names: c.2688+1G>A (NM_033150.3).
Identifiers: ClinVar variation 2024745 (VCV002024745.4), dbSNP rs2540113039, ClinGen allele CA384541710.
Genomic context (GRCh38, chr12:47,978,596, plus strand): 5'-TCAGAAGCCACTCACGACCCTGCTCCCAGGGACCTTGGCATGGGCCTGGTGAGGGACTTA[C>T]AGAGGGACCGTCATCTCCAGGCTCTCCCTTCTCGCCAGGGGGTCCAGCAGGACCTTGGAG-3'